The following is an entry in ClinVar:

ClinVar aggregate classification (germline): Benign (1 of 4 stars; one submission).

Conditions:
Glycogen storage disease, type II (IOPD). Also called: Pompe Disease; CARDIOMEGALIA GLYCOGENICA DIFFUSA; GLYCOGENOSIS, GENERALIZED, CARDIAC FORM; GSD II; POMPE DISEASE, INFANTILE-ONSET; GLYCOGEN STORAGE DISEASE II, INFANTILE-ONSET. Identifiers: Orphanet 365, MedGen C0017921, MONDO:0009290, OMIM 232300.

gnomAD v4.1: 4,342 of 152,262 alleles (2.9%); highest among the groups gnomAD compares: African/African-American, 9.5%; 188 homozygotes.

Submission:

Genomenon, Inc
Classification: Benign for Glycogen storage disease, type II. Last evaluated: 2026-07-01. Review status: criteria provided, single submitter. Criteria: Genomenon Sequence Variant Interpretation Standards - Updated. Collection method: curation. Allele origin: germline. Affected: no.
Comment: GAA c.693-586G>A is an intronic variant located in intron 3. This variant is present at high allele frequency in population databases. We classify GAA c.693-586G>A as a benign variant.

NM_000152.5(GAA):c.693-586G>A

Gene: GAA (alpha glucosidase; plus strand). Cytogenetic location: 17q25.3.
Variant type: single nucleotide variant.
Coding change: c.693-586G>A on transcript NM_000152.5 (MANE Select); 586 bases into the intron before coding-DNA position 693, G replaced by A.
Molecular consequence: intron variant.
Genome position (GRCh38, 1-based): chr17:80,106,971, G>A. VCF-style: chr17-80106971-G-A. GRCh37 (hg19) VCF-style: chr17-78080770-G-A.
Other names: c.693-586G>A (NM_001406741.1, NM_001406742.1, NM_001079803.3 and 1 more transcripts).
Identifiers: ClinVar variation 4876422 (VCV004876422.1).